The following is an entry in ClinVar:

ClinVar aggregate classification (germline): Uncertain significance (1 of 4 stars; one submission).

Conditions:
Cardiovascular phenotype. Identifiers: MedGen CN230736.

Submission:

Ambry Genetics
Classification: Uncertain significance for Cardiovascular phenotype. Last evaluated: 2024-12-29. Review status: criteria provided, single submitter. Criteria: Ambry Variant Classification Scheme 2023. Collection method: clinical testing. Allele origin: germline.
Comment: The p.A440T variant (also known as c.1318G>A), located in coding exon 10 of the LAMA4 gene, results from a G to A substitution at nucleotide position 1318. The alanine at codon 440 is replaced by threonine, an amino acid with similar properties. This amino acid position is conserved. In addition, this alteration is predicted to be tolerated by in silico analysis. Based on the available evidence, the clinical significance of this variant remains unclear.

NM_001105206.3(LAMA4):c.1339G>A (p.Ala447Thr)

Gene: LAMA4 (laminin subunit alpha 4; minus strand). Cytogenetic location: 6q21.
Variant type: single nucleotide variant.
Coding change: c.1339G>A on transcript NM_001105206.3 (MANE Select); coding-DNA position 1339, G replaced by A.
Protein change: p.Ala447Thr; replaces alanine 447 with threonine.
Molecular consequence: missense variant.
Genome position (GRCh38, 1-based): chr6:112,175,331, C>T on the plus strand (G>A on the coding strand, the complement: LAMA4 is on the minus strand). VCF-style: chr6-112175331-C-T. GRCh37 (hg19) VCF-style: chr6-112496533-C-T.
Other names: c.1318G>A, p.Ala440Thr (NM_001105207.3, NM_002290.5); short protein forms A440T, A447T.
Identifiers: ClinVar variation 3866206 (VCV003866206.1).